The following is an entry in ClinVar:

ClinVar aggregate classification (germline): Uncertain significance (1 of 4 stars; one submission).

Submission:

Athena Diagnostics
Classification: Uncertain significance. Last evaluated: 2024-10-30. Review status: criteria provided, single submitter. Criteria: Athena Diagnostics Criteria. Collection method: clinical testing. Allele origin: unknown.
Comment: Available data are insufficient to determine the clinical significance of the variant at this time. The frequency of this variant in the general population is uninformative in assessment of its pathogenicity. Polyphen and MutationTaster predict this amino acid change may be benign.

NM_014363.6(SACS):c.1748A>G (p.Asn583Ser)

Gene: SACS (sacsin molecular chaperone; minus strand). Cytogenetic location: 13q12.12.
Variant type: single nucleotide variant.
Coding change: c.1748A>G on transcript NM_014363.6 (MANE Select); coding-DNA position 1748, A replaced by G.
Protein change: p.Asn583Ser; replaces asparagine 583 with serine.
Molecular consequence: missense variant.
Genome position (GRCh38, 1-based): chr13:23,354,864, T>C on the plus strand (A>G on the coding strand, the complement: SACS is on the minus strand). VCF-style: chr13-23354864-T-C. GRCh37 (hg19) VCF-style: chr13-23929003-T-C.
Other names: c.1307A>G, p.Asn436Ser (NM_001278055.2); short protein forms N436S, N583S.
Identifiers: ClinVar variation 3571863 (VCV003571863.1).